The following is an entry in ClinVar:

NM_000059.4(BRCA2):c.1778C>T (p.Ala593Val)

Gene: BRCA2 (BRCA2 DNA repair associated; plus strand). Cytogenetic location: 13q13.1.
Variant type: single nucleotide variant.
Coding change: c.1778C>T on transcript NM_000059.4 (MANE Select); coding-DNA position 1778, C replaced by T.
Protein change: p.Ala593Val; replaces alanine 593 with valine.
Molecular consequence: missense variant. On other transcripts: non-coding transcript variant (1), intron variant (1).
Genome position (GRCh38, 1-based): chr13:32,333,256, C>T. VCF-style: chr13-32333256-C-T. GRCh37 (hg19) VCF-style: chr13-32907393-C-T.
Other names: c.1778C>T, p.Ala593Val (NM_001406719.1, NM_001406720.1, NM_001406721.1 and 1 more transcripts); c.424+2226C>T (NM_001406722.1); short protein forms A593V.
Identifiers: ClinVar variation 5033229 (VCV005033229.1).

ClinVar aggregate classification (germline): Uncertain significance (1 of 4 stars; one submission).

Conditions:
Hereditary cancer-predisposing syndrome. Also called: Neoplastic Syndromes, Hereditary; Tumor predisposition; Hereditary neoplastic syndrome; Hereditary Cancer Syndrome. Identifiers: Orphanet 140162, MedGen C0027672, MeSH D009386, MONDO:0015356.

gnomAD v4.1: 3 of 1,609,750 alleles (0.00019%); highest among the groups gnomAD compares: Non-Finnish European, 0.000085%; no homozygotes.

Submission:

Ambry Genetics
Classification: Uncertain significance for Hereditary cancer-predisposing syndrome. Last evaluated: 2026-06-24. Review status: criteria provided, single submitter. Criteria: Ambry Variant Classification Scheme 2023. Collection method: clinical testing. Allele origin: germline.
Comment: The p.A593V variant (also known as c.1778C>T), located in coding exon 9 of the BRCA2 gene, results from a C to T substitution at nucleotide position 1778. The alanine at codon 593 is replaced by valine, an amino acid with similar properties. This amino acid position is not well conserved in available vertebrate species. In addition, this alteration is predicted to be tolerated by in silico analysis. Based on the available evidence, the clinical significance of this variant remains unclear.